The following is an entry in ClinVar:

ClinVar aggregate classification (germline): Pathogenic (1 of 4 stars; one submission).

Conditions:
Familial cancer of breast. Also called: BREAST CANCER, FAMILIAL; Hereditary breast cancer; hereditary breast carcinoma. Identifiers: Orphanet 227535, MedGen C0346153, MONDO:0016419, OMIM 114480. Disease mechanism: loss of function.

Submission:

Myriad Genetics, Inc.
Classification: Pathogenic for Familial cancer of breast. Last evaluated: 2024-01-22. Review status: criteria provided, single submitter. Criteria: Myriad Autosomal Dominant, Autosomal Recessive and X-Linked Classification Criteria (2023). Collection method: clinical testing. Allele origin: unknown.
Comment: This variant is considered pathogenic. This variant creates a frameshift predicted to result in premature protein truncation.

NM_000051.4(ATM):c.3607_3620del (p.Tyr1203fs)

Gene: ATM (ATM serine/threonine kinase; plus strand). Cytogenetic location: 11q22.3.
Variant type: Deletion.
Coding change: c.3607_3620del on transcript NM_000051.4 (MANE Select); coding-DNA positions 3607 to 3620, 14 bases deleted (TATAGACGTTTAGA).
Protein change: p.Tyr1203fs; shifts the reading frame from tyrosine 1203.
Molecular consequence: frameshift variant.
Genome position (GRCh38, 1-based): chr11:108,282,740-108,282,753, TATAGACGTTTAGA deleted; deleting any 14 consecutive bases within chr11:108,282,738-108,282,753 gives the same sequence; the c. name uses the placement nearest the transcript's 3' end. VCF-style (leftmost placement, unchanged base first): chr11-108282737-GGATATAGACGTTTA-G. GRCh37 (hg19) VCF-style: chr11-108153464-GGATATAGACGTTTA-G.
Other names: c.3607_3620del, p.Tyr1203fs (NM_001351834.2); short protein forms Y1203fs.
Identifiers: ClinVar variation 3148559 (VCV003148559.1), dbSNP rs2546879022, ClinGen allele CA2825001838.